The following is an entry in ClinVar:

ClinVar aggregate classification (germline): Uncertain significance (1 of 4 stars; one submission).

Conditions:
Spastic paraplegia. Identifiers: MedGen C0037772, HP:0001258.

Allele frequency attached by ClinVar (database versions not stated): gnomAD 0.00001; TOPMed 0.00001; ExAC 0.00002.
gnomAD v4.1: 16 of 1,611,376 alleles (0.00099%); highest among the groups gnomAD compares: Middle Eastern, 0.016%; no homozygotes.

Submission:

Labcorp Genetics (formerly Invitae), Labcorp
Classification: Uncertain significance for Spastic paraplegia. Last evaluated: 2025-09-17. Review status: criteria provided, single submitter. Criteria: Invitae Variant Classification Sherloc (09022015). Collection method: clinical testing. Allele origin: germline.
Comment: This sequence change replaces arginine, which is basic and polar, with cysteine, which is neutral and slightly polar, at codon 430 of the RTN2 protein (p.Arg430Cys). This variant is present in population databases (rs768601206, gnomAD 0.006%). This variant has not been reported in the literature in individuals affected with RTN2-related conditions. ClinVar contains an entry for this variant (Variation ID: 1907195). An algorithm developed to predict the effect of missense changes on protein structure and function (PolyPhen-2) suggests that this variant is likely to be tolerated. In summary, the available evidence is currently insufficient to determine the role of this variant in disease. Therefore, it has been classified as a Variant of Uncertain Significance.

NM_005619.5(RTN2):c.1288C>T (p.Arg430Cys)

Genes: OPA3-RTN2 (OPA3-RTN2 readthrough; minus strand), RTN2 (reticulon 2; minus strand). Cytogenetic location: 19q13.32.
Variant type: single nucleotide variant.
Coding change: c.1288C>T on transcript NM_005619.5 (MANE Select); coding-DNA position 1288, C replaced by T.
Protein change: p.Arg430Cys; replaces arginine 430 with cysteine.
Molecular consequence: missense variant.
Genome position (GRCh38, 1-based): chr19:45,488,940, G>A on the plus strand (C>T on the coding strand, the complement: RTN2 is on the minus strand). VCF-style: chr19-45488940-G-A. GRCh37 (hg19) VCF-style: chr19-45992198-G-A.
Other names: c.1069C>T, p.Arg357Cys (NM_206900.3); c.268C>T, p.Arg90Cys (NM_206901.3); short protein forms R357C, R430C, R90C.
Identifiers: ClinVar variation 1907195 (VCV001907195.5), dbSNP rs768601206, ClinGen allele CA9516021.